The following is an entry in ClinVar:

ClinVar aggregate classification (germline): Uncertain significance (1 of 4 stars; one submission).

Conditions:
Dilated cardiomyopathy 1G (CMD1G). Identifiers: Orphanet 154, MedGen C1858763, MONDO:0011400, OMIM 604145.
Autosomal recessive limb-girdle muscular dystrophy type 2J (LGMDR10). Also called: Limb-girdle muscular dystrophy, type 2J; MUSCULAR DYSTROPHY, LIMB-GIRDLE, AUTOSOMAL RECESSIVE 10. Identifiers: Orphanet 140922, MedGen C1837342, MONDO:0012127, OMIM 608807.

Allele frequency attached by ClinVar (database versions not stated): gnomAD exomes below 0.00001.
gnomAD v4.1: 1 of 1,613,950 alleles (0.000062%); highest among the groups gnomAD compares: African/African-American, 0.0013%; no homozygotes.

Submission:

Labcorp Genetics (formerly Invitae), Labcorp
Classification: Uncertain significance for Dilated cardiomyopathy 1G; Autosomal recessive limb-girdle muscular dystrophy type 2J. Last evaluated: 2021-01-04. Review status: criteria provided, single submitter. Criteria: Invitae Variant Classification Sherloc (09022015). Collection method: clinical testing. Allele origin: germline.
Comment: In summary, the available evidence is currently insufficient to determine the role of this variant in disease. Therefore, it has been classified as a Variant of Uncertain Significance. Algorithms developed to predict the effect of missense changes on protein structure and function are unavailable for the TTN gene. This variant is located in the M band of TTN (PMID: 25589632). Variants in this region may be relevant for neuromuscular disorders, but have not been definitively shown to cause cardiomyopathy (PMID: 23975875). This variant has not been reported in the literature in individuals with TTN-related disease. This variant is not present in population databases (ExAC no frequency). This sequence change replaces serine with threonine at codon 35099 of the TTN protein (p.Ser35099Thr). There is a small physicochemical difference between serine and threonine.

Literature cited by the submitters: PubMed 25589632; PubMed 23975875.

NM_001267550.2(TTN):c.105295T>A (p.Ser35099Thr)

Genes: TTN (titin; minus strand), TTN-AS1 (TTN antisense RNA 1; plus strand). Cytogenetic location: 2q31.2.
Variant type: single nucleotide variant.
Coding change: c.105295T>A on transcript NM_001267550.2 (MANE Select); coding-DNA position 105295, T replaced by A.
Protein change: p.Ser35099Thr; replaces serine 35099 with threonine.
Molecular consequence: missense variant.
Genome position (GRCh38, 1-based): chr2:178,531,320, A>T on the plus strand (T>A on the coding strand, the complement: TTN is on the minus strand). VCF-style: chr2-178531320-A-T. GRCh37 (hg19) VCF-style: chr2-179396047-A-T.
Other names: c.100372T>A, p.Ser33458Thr (NM_001256850.1); c.78100T>A, p.Ser26034Thr (NM_003319.4); c.97591T>A, p.Ser32531Thr (NM_133378.4); c.78475T>A, p.Ser26159Thr (NM_133432.3); c.78676T>A, p.Ser26226Thr (NM_133437.4); short protein forms S26034T, S26159T, S26226T, S32531T, S33458T, S35099T.
Identifiers: ClinVar variation 1005869 (VCV001005869.7), dbSNP rs1311764657, ClinGen allele CA349409072.